The following is an entry in ClinVar:

NM_000256.3(MYBPC3):c.101_102del (p.Glu34fs)

Gene: MYBPC3 (myosin binding protein C3; minus strand). Cytogenetic location: 11p11.2.
Variant type: Microsatellite.
Coding change: c.101_102del on transcript NM_000256.3 (MANE Select); coding-DNA positions 101 to 102, 2 bases deleted (AG; older notation c.101_102delAG).
Protein change: p.Glu34fs; shifts the reading frame from glutamic acid 34.
Molecular consequence: frameshift variant.
Genome position (GRCh38, 1-based): chr11:47,351,429-47,351,430, CT deleted on the plus strand (AG on the coding strand, the reverse complement: MYBPC3 is on the minus strand); deleting any 2 consecutive bases within chr11:47,351,429-47,351,432 gives the same sequence; the c. name uses the placement nearest the transcript's 3' end. VCF-style (leftmost placement, unchanged base first): chr11-47351428-GCT-G. GRCh37 (hg19) VCF-style: chr11-47372979-GCT-G.
Other names: c.101_102delAG (NM_000256.3); short protein forms E34fs.
Identifiers: ClinVar variation 3915210 (VCV003915210.1).

ClinVar aggregate classification (germline): Likely pathogenic (1 of 4 stars; one submission).

Conditions:
Cardiovascular phenotype. Identifiers: MedGen CN230736.

Submission:

Ambry Genetics
Classification: Likely pathogenic for Cardiovascular phenotype. Last evaluated: 2025-05-02. Review status: criteria provided, single submitter. Criteria: Ambry Variant Classification Scheme 2023. Collection method: clinical testing. Allele origin: germline.
Comment: The c.101_102delAG variant, located in coding exon 2 of the MYBPC3 gene, results from a deletion of two nucleotides at nucleotide positions 101 to 102, causing a translational frameshift with a predicted alternate stop codon (p.E34Afs*14). The predicted stop codon occurs in the 5&rsquo; end of theMYBPC3 gene. Premature termination codons in the 5&rsquo; end of a gene have been reported to escape nonsense-mediated mRNAdecay and/or lead to re-initiation (Rivas et al. Science. 2015 May 8;348(6235):666-9; Lindeboom et al. Nat Genet. 2016 Oct;48(10):1112-8; Rhee et al. Sci Rep. 2017 May 10;7(1):1653). Direct evidence for this alteration is unavailable, however premature termination codons are typically deleterious in nature. This variant was reported in individual(s) with features consistent with hypertrophic cardiomyopathy (Ambry internal data). This variant is considered to be rare based on population cohorts in the Genome Aggregation Database (gnomAD). Based on the majority of available evidence to date, this variant is likely to be pathogenic.